The following is an entry in ClinVar:

NM_005359.6(SMAD4):c.1172G>A (p.Cys391Tyr)

Gene: SMAD4 (SMAD family member 4; plus strand). Cytogenetic location: 18q21.2.
Variant type: single nucleotide variant.
Coding change: c.1172G>A on transcript NM_005359.6 (MANE Select); coding-DNA position 1172, G replaced by A.
Protein change: p.Cys391Tyr; replaces cysteine 391 with tyrosine.
Molecular consequence: missense variant.
Genome position (GRCh38, 1-based): chr18:51,067,051, G>A. VCF-style: chr18-51067051-G-A. GRCh37 (hg19) VCF-style: chr18-48593421-G-A.
Other names: short protein forms C391Y.
Identifiers: ClinVar variation 1463733 (VCV001463733.6), dbSNP rs2144451919, ClinGen allele CA402464775.

ClinVar aggregate classification (germline): Uncertain significance (1 of 4 stars; one submission).

Conditions:
Juvenile polyposis syndrome (JPS). Identifiers: Orphanet 2929, MedGen C0345893, MONDO:0017380, OMIM 174900.

Submission:

Labcorp Genetics (formerly Invitae), Labcorp
Classification: Uncertain significance for Juvenile polyposis syndrome. Last evaluated: 2021-09-15. Review status: criteria provided, single submitter. Criteria: Invitae Variant Classification Sherloc (09022015). Collection method: clinical testing. Allele origin: germline.
Comment: In summary, the available evidence is currently insufficient to determine the role of this variant in disease. Therefore, it has been classified as a Variant of Uncertain Significance. Algorithms developed to predict the effect of missense changes on protein structure and function are either unavailable or do not agree on the potential impact of this missense change (SIFT: "Tolerated"; PolyPhen-2: "Probably Damaging"; Align-GVGD: "Class C0"). This variant has not been reported in the literature in individuals affected with SMAD4-related conditions. This variant is not present in population databases (ExAC no frequency). This sequence change replaces cysteine with tyrosine at codon 391 of the SMAD4 protein (p.Cys391Tyr). The cysteine residue is highly conserved and there is a large physicochemical difference between cysteine and tyrosine.